The following is an entry in ClinVar:

NM_004035.7(ACOX1):c.1599del (p.His532_Tyr533insTer)

Gene: ACOX1 (acyl-CoA oxidase 1; minus strand). Cytogenetic location: 17q25.1.
Variant type: Deletion.
Coding change: c.1599del on transcript NM_004035.7 (MANE Select); coding-DNA position 1599, one base deleted (T; older notation c.1599delT).
Protein change: p.His532_Tyr533insTer.
Molecular consequence: nonsense.
Genome position (GRCh38, 1-based): chr17:75,949,346, A deleted on the plus strand (T on the coding strand, the reverse complement: ACOX1 is on the minus strand). VCF-style (leftmost placement, unchanged base first): chr17-75949345-CA-C. GRCh37 (hg19) VCF-style: chr17-73945426-CA-C.
Other names: c.1485del, p.His494_Tyr495insTer (NM_001185039.2); c.1599del, p.His532_Tyr533insTer (NM_007292.6).
Identifiers: ClinVar variation 2013180 (VCV002013180.4), dbSNP rs2546074630, ClinGen allele CA2580095201.
Genomic context (GRCh38, chr17:75,949,345, plus strand): 5'-CAGCTTGAATGGCTTTATCTTGAATTTTGAGGAGTTTTTCTGAAAAGAGCTTAACTACCA[CA>C]TAGTGGCAATGTGCCTAAGATTAAAAAGAAAACACCAGAGTTTGAGAACCTTGGAAAAAG-3'

ClinVar aggregate classification (germline): Pathogenic (1 of 4 stars; one submission).

Conditions:
Acyl-CoA oxidase deficiency. Also called: Pseudoneonatal adrenoleukodystrophy; STRAIGHT-CHAIN ACYL-CoA OXIDASE DEFICIENCY; Peroxisomal acyl-CoA oxidase deficiency. Identifiers: Orphanet 2971, MedGen C1849678, MONDO:0009919, OMIM 264470. Disease mechanism: loss of function.

Submission:

Labcorp Genetics (formerly Invitae), Labcorp
Classification: Pathogenic for Acyl-CoA oxidase deficiency. Last evaluated: 2022-07-02. Review status: criteria provided, single submitter. Criteria: Invitae Variant Classification Sherloc (09022015). Collection method: clinical testing. Allele origin: germline.
Comment: This variant is not present in population databases (gnomAD no frequency). For these reasons, this variant has been classified as Pathogenic. This variant has not been reported in the literature in individuals affected with ACOX1-related conditions. This sequence change creates a premature translational stop signal (p.Tyr533*) in the ACOX1 gene. It is expected to result in an absent or disrupted protein product. Loss-of-function variants in ACOX1 are known to be pathogenic (PMID: 8040306, 17458872).

Literature cited by the submitters: PubMed 8040306; PubMed 17458872.